The following is an entry in ClinVar:

ClinVar aggregate classification (germline): Uncertain significance. Review status: criteria provided, multiple submitters, no conflicts (2 of 4 stars). 3 submissions from 3 submitters: Uncertain significance (2). 1 of the submissions does not count toward it. Last evaluated 2024-10-29.

Conditions:
Mental disorder. Also called: Mental Disorders; Psychiatric disorders. Identifiers: MedGen C0004936, MeSH D001523, MONDO:0005084.
Cornelia de Lange syndrome 6 (CDLS6). Identifiers: MedGen C5882712, MONDO:0957921, OMIM 620568.

Submissions (3):

Institute of Medical Genetics and Applied Genomics, University Hospital Tübingen
Classification: Uncertain significance for Cornelia de Lange syndrome 6. Last evaluated: 2024-10-29. Review status: criteria provided, single submitter. Criteria: ACMG Guidelines, 2015. Collection method: clinical testing. Allele origin: germline. Inheritance: Autosomal dominant inheritance. Affected: yes.

SIB Swiss Institute of Bioinformatics
Classification: Uncertain significance for Mental disorder. Last evaluated: 2024-03-03. Review status: criteria provided, single submitter. Criteria: ACMG Guidelines, 2015. Collection method: curation. Allele origin: unknown. Affected: yes.
Comment: Patient P11 in PMID: 35470444; The following ACMG tags were applied: Absent from controls (or at extremely low frequency if recessive) in gnomAD (PM2).

OMIM
Classification: Pathogenic for CORNELIA DE LANGE SYNDROME 6. Last evaluated: 2024-01-25. Review status: no assertion criteria provided. Collection method: literature only. Allele origin: germline. Not counted in ClinVar's aggregate classification.

Literature cited by the submitters: PubMed 35470444 (cited by SIB Swiss Institute of Bioinformatics and OMIM).

NM_001379291.1(BRD4):c.883A>C (p.Thr295Pro)

Gene: BRD4 (bromodomain containing 4; minus strand). Cytogenetic location: 19p13.12.
Variant type: single nucleotide variant.
Coding change: c.883A>C on transcript NM_001379291.1 (MANE Select); coding-DNA position 883, A replaced by C.
Protein change: p.Thr295Pro; replaces threonine 295 with proline.
Molecular consequence: missense variant.
Genome position (GRCh38, 1-based): chr19:15,264,733, T>G on the plus strand (A>C on the coding strand, the complement: BRD4 is on the minus strand). VCF-style: chr19-15264733-T-G. GRCh37 (hg19) VCF-style: chr19-15375544-T-G.
Other names: T295P; c.883A>C, p.Thr295Pro (NM_001330384.2, NM_001379292.1, NM_014299.3 and 1 more transcripts).
Identifiers: ClinVar variation 2671883 (VCV002671883.5), dbSNP rs1405614933, ClinGen allele CA404484735.